The following is an entry in ClinVar:

ClinVar aggregate classification (germline): Uncertain significance (1 of 4 stars; one submission).

Conditions:
Joubert syndrome. Also called: JOUBERT-BOLTSHAUSER SYNDROME; Familial aplasia of the vermis. Identifiers: Orphanet 475, MedGen C5979921, MONDO:0018772.
Meckel-Gruber syndrome. Also called: DYSENCEPHALIA SPLANCHNOCYSTICA; GRUBER SYNDROME; Dysencephalia splachnocystica. Identifiers: Orphanet 564, MedGen C0265215, MONDO:0018921.

gnomAD v4.1: 2 of 1,551,528 alleles (0.00013%); highest among the groups gnomAD compares: Admixed American, 0.002%; no homozygotes.

Submission:

Labcorp Genetics (formerly Invitae), Labcorp
Classification: Uncertain significance for Joubert syndrome; Meckel-Gruber syndrome. Last evaluated: 2024-10-29. Review status: criteria provided, single submitter. Criteria: Invitae Variant Classification Sherloc (09022015). Collection method: clinical testing. Allele origin: germline.
Comment: This sequence change replaces isoleucine, which is neutral and non-polar, with threonine, which is neutral and polar, at codon 1242 of the CC2D2A protein (p.Ile1242Thr). This variant is present in population databases (no rsID available, gnomAD no frequency). This variant has not been reported in the literature in individuals affected with CC2D2A-related conditions. ClinVar contains an entry for this variant (Variation ID: 2077963). Invitae Evidence Modeling of protein sequence and biophysical properties (such as structural, functional, and spatial information, amino acid conservation, physicochemical variation, residue mobility, and thermodynamic stability) indicates that this missense variant is expected to disrupt CC2D2A protein function with a positive predictive value of 80%. In summary, the available evidence is currently insufficient to determine the role of this variant in disease. Therefore, it has been classified as a Variant of Uncertain Significance.

NM_001378615.1(CC2D2A):c.3725T>C (p.Ile1242Thr)

Genes: CC2D2A (coiled-coil and C2 domain containing 2A; plus strand), FBXL5 (F-box and leucine rich repeat protein 5; minus strand). Cytogenetic location: 4p15.32.
Variant type: single nucleotide variant.
Coding change: c.3725T>C on transcript NM_001378615.1 (MANE Select); coding-DNA position 3725, T replaced by C.
Protein change: p.Ile1242Thr; replaces isoleucine 1242 with threonine.
Molecular consequence: missense variant.
Genome position (GRCh38, 1-based): chr4:15,574,280, T>C. VCF-style: chr4-15574280-T-C. GRCh37 (hg19) VCF-style: chr4-15575903-T-C.
Other names: c.3725T>C, p.Ile1242Thr (NM_001080522.2); c.3578T>C, p.Ile1193Thr (NM_001378617.1); short protein forms I1193T, I1242T.
Identifiers: ClinVar variation 2077963 (VCV002077963.4), dbSNP rs1419978989, ClinGen allele CA356423986.
Genomic context (GRCh38, chr4:15,574,280, plus strand): 5'-TTGAGCGGGGTTTTGATTCTGTCCGAAGCTTAAGTGAAGGCTCCTACATTACCCTCTTTA[T>C]TACCATTGAGCCCCAGCTGGTTCCTGGAGAGTCCATTCGAGAAAAGGTAACTACTTATAG-3'
Protein context (NP_001365544.1, residues 1232-1252): LSEGSYITLF[Ile1242Thr]TIEPQLVPGE